The following is an entry in ClinVar:

NM_004539.4(NARS1):c.941T>C (p.Val314Ala)

Gene: NARS1 (asparaginyl-tRNA synthetase 1; minus strand). Cytogenetic location: 18q21.31.
Variant type: single nucleotide variant.
Coding change: c.941T>C on transcript NM_004539.4 (MANE Select); coding-DNA position 941, T replaced by C.
Protein change: p.Val314Ala; replaces valine 314 with alanine.
Molecular consequence: missense variant.
Genome position (GRCh38, 1-based): chr18:57,607,194, A>G on the plus strand (T>C on the coding strand, the complement: NARS1 is on the minus strand). VCF-style: chr18-57607194-A-G. GRCh37 (hg19) VCF-style: chr18-55274426-A-G.
Other names: short protein forms V314A.
Identifiers: ClinVar variation 3175703 (VCV003175703.12), dbSNP rs140069191, ClinGen allele CA8973565.

ClinVar aggregate classification (germline): Uncertain significance. Review status: criteria provided, multiple submitters, no conflicts (2 of 4 stars). 2 submissions from 2 submitters: Uncertain significance (2). Last evaluated 2025-08-03.

Allele frequency attached by ClinVar (database versions not stated): ExAC 0.00004; gnomAD 0.00005; TOPMed 0.00005; gnomAD exomes 0.00010; ESP Exome Variant Server 0.00015.
gnomAD v4.1: 173 of 1,614,030 alleles (0.011%); highest among the groups gnomAD compares: Non-Finnish European, 0.013%; no homozygotes.

Submissions (2):

Ambry Genetics
Classification: Uncertain significance. Last evaluated: 2025-08-03. Review status: criteria provided, single submitter. Criteria: Ambry Variant Classification Scheme 2023. Collection method: clinical testing. Allele origin: germline.

CeGaT Center for Human Genetics Tuebingen
Classification: Uncertain significance. Last evaluated: 2025-06-01. Review status: criteria provided, single submitter. Criteria: CeGaT Center For Human Genetics Tuebingen Variant Classification Criteria Version 2. Collection method: clinical testing. Allele origin: germline. Affected: yes. Observed: 1 variant allele.
Comment: NARS1: PP3